The following is an entry in ClinVar:

NM_000053.4(ATP7B):c.2692C>T (p.Gln898Ter)

Gene: ATP7B (ATPase copper transporting beta; minus strand). Cytogenetic location: 13q14.3.
Variant type: single nucleotide variant.
Coding change: c.2692C>T on transcript NM_000053.4 (MANE Select); coding-DNA position 2692, C replaced by T.
Protein change: p.Gln898Ter; replaces glutamine 898 with a stop codon.
Molecular consequence: nonsense.
Genome position (GRCh38, 1-based): chr13:51,950,045, G>A on the plus strand (C>T on the coding strand, the complement: ATP7B is on the minus strand). VCF-style: chr13-51950045-G-A. GRCh37 (hg19) VCF-style: chr13-52524181-G-A.
Other names: c.2206C>T, p.Gln736Ter (NM_001005918.3); c.2359C>T, p.Gln787Ter (NM_001243182.2); c.2458C>T, p.Gln820Ter (NM_001330578.2); c.2440C>T, p.Gln814Ter (NM_001330579.2); short protein forms Q736*, Q814*, Q898*, Q787*, Q820*.
Identifiers: ClinVar variation 864302 (VCV000864302.18), dbSNP rs1957898187, ClinGen allele CA388034256.

ClinVar aggregate classification (germline): Pathogenic/Likely pathogenic. Review status: criteria provided, multiple submitters, no conflicts (2 of 4 stars). 5 submissions from 5 submitters: Pathogenic (4); Likely pathogenic (1). Last evaluated 2025-04-11.

Conditions:
Wilson disease (WND). Also called: Wilson's disease. Identifiers: Orphanet 905, MedGen C0019202, MONDO:0010200, OMIM 277900. Disease mechanism: loss of function.

Submissions (5):

Labcorp Genetics (formerly Invitae), Labcorp
Classification: Pathogenic for Wilson disease. Last evaluated: 2025-04-11. Review status: criteria provided, single submitter. Criteria: Invitae Variant Classification Sherloc (09022015). Collection method: clinical testing. Allele origin: germline.
Comment: This sequence change creates a premature translational stop signal (p.Gln898*) in the ATP7B gene. It is expected to result in an absent or disrupted protein product. Loss-of-function variants in ATP7B are known to be pathogenic (PMID: 10441329, 16283883). This variant is not present in population databases (gnomAD no frequency). This premature translational stop signal has been observed in individual(s) with Wilson disease (PMID: 30655162; internal data). ClinVar contains an entry for this variant (Variation ID: 864302). For these reasons, this variant has been classified as Pathogenic.

Baylor Genetics
Classification: Pathogenic for Wilson disease. Last evaluated: 2023-10-17. Review status: criteria provided, single submitter. Criteria: ACMG Guidelines, 2015. Collection method: clinical testing. Allele origin: unknown.

Victorian Clinical Genetics Services, Murdoch Childrens Research Institute
Classification: Pathogenic for Wilson disease. Last evaluated: 2022-02-02. Review status: criteria provided, single submitter. Criteria: ACMG Guidelines, 2015. Collection method: clinical testing. Allele origin: germline. Inheritance: Autosomal recessive inheritance.
Comment: Based on the classification scheme VCGS_Germline_v1.3.4, this variant is classified as Pathogenic. Following criteria are met: 0102 - Loss of function is a known mechanism of disease in this gene and is associated with Wilson disease (MIM#277900). (I) 0106 - This gene is associated with autosomal recessive disease. (I) 0201 - Variant is predicted to cause nonsense-mediated decay (NMD) and loss of protein (premature termination codon is located at least 54 nucleotides upstream of the final exon-exon junction). (SP) 0251 - This variant is heterozygous. (I) 0301 - Variant is absent from gnomAD (both v2 and v3). (SP) 0701 - Other NMD-predicted variants comparable to the one identified in this case have very strong previous evidence for pathogenicity (ClinVar, DECIPHER). (SP) 0802 - This variant has moderate previous evidence of pathogenicity in unrelated individuals. It has been reported in at least three other individuals with Wilson Disease (MIM#277900) and classified as pathogenic by diagnostic laboratories in ClinVar (PMID: 30655162). (SP) 1208 - Inheritance information for this variant is not currently available in this individual. (I) Legend: (SP) - Supporting pathogenic, (I) - Information, (SB) - Supporting benign

Genome-Nilou Lab
Classification: Pathogenic for Wilson disease. Last evaluated: 2021-08-10. Review status: criteria provided, single submitter. Criteria: ACMG Guidelines, 2015. Collection method: clinical testing. Allele origin: germline. Affected: no.

Mayo Clinic Laboratories, Mayo Clinic
Classification: Likely pathogenic. Last evaluated: 2020-11-20. Review status: criteria provided, single submitter. Criteria: ACMG Guidelines, 2015. Collection method: clinical testing. Allele origin: germline. Observed: 4 variant alleles.
Comment: PVS1, PM2

Literature cited by the submitters: PubMed 10441329 (cited by Labcorp Genetics (formerly Invitae), Labcorp); PubMed 16283883 (cited by Labcorp Genetics (formerly Invitae), Labcorp); PubMed 30655162 (cited by 3 submitters).